The following is an entry in ClinVar:

NM_001999.4(FBN2):c.7180A>G (p.Ile2394Val)

Gene: FBN2 (fibrillin 2; minus strand). Cytogenetic location: 5q23.3.
Variant type: single nucleotide variant.
Coding change: c.7180A>G on transcript NM_001999.4 (MANE Select); coding-DNA position 7180, A replaced by G.
Protein change: p.Ile2394Val; replaces isoleucine 2394 with valine.
Molecular consequence: missense variant.
Genome position (GRCh38, 1-based): chr5:128,278,800, T>C on the plus strand (A>G on the coding strand, the complement: FBN2 is on the minus strand). VCF-style: chr5-128278800-T-C. GRCh37 (hg19) VCF-style: chr5-127614492-T-C.
Other names: short protein forms I2394V.
Identifiers: ClinVar variation 1190519 (VCV001190519.9), dbSNP rs141854054, ClinGen allele CA3394184.

ClinVar aggregate classification (germline): Conflicting classifications of pathogenicity. Review status: criteria provided, conflicting classifications (1 of 4 stars). 4 submissions from 4 submitters: Uncertain significance (2); Benign (1); Likely benign (1). Last evaluated 2024-10-09.

Conditions:
Familial thoracic aortic aneurysm and aortic dissection (TAAD). Also called: Thoracic aortic aneurysms and dissections. Identifiers: Orphanet 91387, MedGen C4707243, MONDO:0019625.
Congenital contractural arachnodactyly (CCA). Also called: BEALS SYNDROME; Beals-Hecht syndrome; Arthrogryposis, distal, type 9. Identifiers: Orphanet 115, MedGen C0220668, MONDO:0007363, OMIM 121050.

Allele frequency attached by ClinVar (database versions not stated): gnomAD exomes 0.00004 and 0.00006; ExAC 0.00007; TOPMed 0.00008; gnomAD 0.00011; ESP Exome Variant Server 0.00015.
gnomAD v4.1: 79 of 1,613,854 alleles (0.0049%); highest among the groups gnomAD compares: African/African-American, 0.028%; no homozygotes.

Submissions (4):

Labcorp Genetics (formerly Invitae), Labcorp
Classification: Benign for Congenital contractural arachnodactyly. Last evaluated: 2024-10-09. Review status: criteria provided, single submitter. Criteria: Invitae Variant Classification Sherloc (09022015). Collection method: clinical testing. Allele origin: germline.

GeneDx
Classification: Uncertain significance. Last evaluated: 2023-12-20. Review status: criteria provided, single submitter. Criteria: GeneDx Variant Classification Process June 2021. Collection method: clinical testing. Allele origin: germline. Affected: yes.
Comment: Has not been previously published as pathogenic or benign to our knowledge; In silico analysis supports that this missense variant does not alter protein structure/function; Does not affect a cysteine residue within a calcium-binding EGF-like domain of the FBN2 gene; cysteine substitutions in the calcium-binding EGF-like domains represent the majority of pathogenic missense changes associated with FBN2-related disorders (PMID: 18767143); This variant is associated with the following publications: (PMID: 18767143)

Blueprint Genetics
Classification: Likely benign. Last evaluated: 2023-09-06. Review status: criteria provided, single submitter. Criteria: ACMG Guidelines, 2015. Collection method: clinical testing. Allele origin: germline.

Ambry Genetics
Classification: Uncertain significance for Familial thoracic aortic aneurysm and aortic dissection. Last evaluated: 2022-08-22. Review status: criteria provided, single submitter. Criteria: Ambry Variant Classification Scheme 2023. Collection method: clinical testing. Allele origin: germline.
Comment: The p.I2394V variant (also known as c.7180A>G), located in coding exon 57 of the FBN2 gene, results from an A to G substitution at nucleotide position 7180. The isoleucine at codon 2394 is replaced by valine, an amino acid with highly similar properties. This amino acid position is poorly conserved in available vertebrate species. In addition, this alteration is predicted to be tolerated by in silico analysis. Since supporting evidence is limited at this time, the clinical significance of this alteration remains unclear.